The following is an entry in ClinVar:

ClinVar aggregate classification (germline): Uncertain significance. Review status: criteria provided, multiple submitters, no conflicts (2 of 4 stars). 2 submissions from 2 submitters: Uncertain significance (2). Last evaluated 2024-12-07.

Conditions:
Inborn genetic diseases. Identifiers: MedGen C0950123, MeSH D030342.

Allele frequency attached by ClinVar (database versions not stated): TOPMed 0.00002; gnomAD exomes 0.00001 and 0.00002; gnomAD 0.00001.
gnomAD v4.1: 29 of 1,551,392 alleles (0.0019%); highest among the groups gnomAD compares: Non-Finnish European, 0.0021%; no homozygotes.

Submissions (2):

Ambry Genetics
Classification: Uncertain significance for Inborn genetic diseases. Last evaluated: 2024-12-07. Review status: criteria provided, single submitter. Criteria: Ambry Variant Classification Scheme 2023. Collection method: clinical testing. Allele origin: germline.

Labcorp Genetics (formerly Invitae), Labcorp
Classification: Uncertain significance. Last evaluated: 2024-04-08. Review status: criteria provided, single submitter. Criteria: Invitae Variant Classification Sherloc (09022015). Collection method: clinical testing. Allele origin: germline.
Comment: This sequence change replaces alanine, which is neutral and non-polar, with threonine, which is neutral and polar, at codon 977 of the UNC80 protein (p.Ala977Thr). This variant is present in population databases (no rsID available, gnomAD 0.002%). This variant has not been reported in the literature in individuals affected with UNC80-related conditions. ClinVar contains an entry for this variant (Variation ID: 1358039). Algorithms developed to predict the effect of missense changes on protein structure and function output the following: SIFT: "Not Available"; PolyPhen-2: "Benign"; Align-GVGD: "Not Available". The threonine amino acid residue is found in multiple mammalian species, which suggests that this missense change does not adversely affect protein function. In summary, the available evidence is currently insufficient to determine the role of this variant in disease. Therefore, it has been classified as a Variant of Uncertain Significance.

NM_001371986.1(UNC80):c.2929G>A (p.Ala977Thr)

Gene: UNC80 (unc-80 homolog, NALCN channel complex subunit; plus strand). Cytogenetic location: 2q34.
Variant type: single nucleotide variant.
Coding change: c.2929G>A on transcript NM_001371986.1 (MANE Select); coding-DNA position 2929, G replaced by A.
Protein change: p.Ala977Thr; replaces alanine 977 with threonine.
Molecular consequence: missense variant.
Genome position (GRCh38, 1-based): chr2:209,834,155, G>A. VCF-style: chr2-209834155-G-A. GRCh37 (hg19) VCF-style: chr2-210698879-G-A.
Other names: c.2929G>A, p.Ala977Thr (NM_032504.2); c.2914G>A, p.Ala972Thr (NM_182587.4); c.2929G>A (NM_032504.1); short protein forms A972T, A977T.
Identifiers: ClinVar variation 1358039 (VCV001358039.7), dbSNP rs1433632762, ClinGen allele CA350411768.
Genomic context (GRCh38, chr2:209,834,155, plus strand): 5'-AGTGCCGAGAAGTTAGCACCAGGGAAAAAGGTGGAGGAGAATGAACAGGAATCTAAGCCT[G>A]CAGGCAGTAAAAGGTTGGAAGCTTGAACTCTCTGAATATTACTGTTTGCCTTAAGTCAGT-3'
Protein context (NP_001358915.1, residues 967-987): VEENEQESKP[Ala977Thr]GSKRSEAGSI